The following is an entry in ClinVar:

ClinVar aggregate classification (germline): Pathogenic (0 of 4 stars; one submission).

Conditions:
Fanconi anemia complementation group A (FANCA). Also called: Fanconi anemia, group A; FANCA-Related Fanconi Anemia. Identifiers: Orphanet 84, MedGen C3469521, MONDO:0009215, OMIM 227650.

Submission:

Leiden Open Variation Database
Classification: Pathogenic for Fanconi anemia complementation group A. Last evaluated: 2020-02-28. Review status: no assertion criteria provided. Collection method: curation. Allele origin: germline. Affected: yes.
Comment: Curator: Arleen D. Auerbach. Submitter to LOVD: Arleen D. Auerbach.

Literature cited by the submitters: PubMed 15523645.

NM_000135.4(FANCA):c.3765+1G>T

Gene: FANCA (FA complementation group A; minus strand). Cytogenetic location: 16q24.3.
Variant type: single nucleotide variant.
Coding change: c.3765+1G>T on transcript NM_000135.4 (MANE Select); the canonical splice donor site of the intron after coding-DNA position 3765, G replaced by T.
Molecular consequence: splice donor variant.
Genome position (GRCh38, 1-based): chr16:89,742,799, C>A on the plus strand (G>T on the coding strand, the complement: FANCA is on the minus strand). VCF-style: chr16-89742799-C-A. GRCh37 (hg19) VCF-style: chr16-89809207-C-A.
Other names: c.3765+1G>T (NM_001286167.3).
Identifiers: ClinVar variation 974263 (VCV000974263.1), dbSNP rs2062169124, ClinGen allele CA397485269.